The following is an entry in ClinVar:

ClinVar aggregate classification (germline): Uncertain significance (1 of 4 stars; one submission).

gnomAD v4.1: 2 of 1,613,964 alleles (0.00012%); highest among the groups gnomAD compares: Non-Finnish European, 0.000085%; no homozygotes.

Submission:

Dasa
Classification: Uncertain significance. Last evaluated: 2025-07-10. Review status: criteria provided, single submitter. Criteria: DASA Assertion Criteria. Collection method: clinical testing. Allele origin: germline.
Comment: NM_007074.4(CORO1A):c.559G>A (p.Asp187Asn) is a missense variant that results in the substitution of aspartic acid with asparagine. This variant has been observed in affected individuals with CORO1A-related disorders. Also, this variant is rare in population databases. Computational prediction algorithms are consistent with a benign effect. The currently available literature and clinical evidence are not sufficient to establish a definitive association between this variant and the reported condition. Therefore, this variant is classified as a variant of uncertain significance.

NM_007074.4(CORO1A):c.559G>A (p.Asp187Asn)

Genes: CORO1A (coronin 1A; plus strand), LOC121587541 (Sharpr-MPRA regulatory region 7413; plus strand). Cytogenetic location: 16p11.2.
Variant type: single nucleotide variant.
Coding change: c.559G>A on transcript NM_007074.4 (MANE Select); coding-DNA position 559, G replaced by A.
Protein change: p.Asp187Asn; replaces aspartic acid 187 with asparagine.
Molecular consequence: missense variant.
Genome position (GRCh38, 1-based): chr16:30,187,146, G>A. VCF-style: chr16-30187146-G-A. GRCh37 (hg19) VCF-style: chr16-30198467-G-A.
Other names: c.559G>A, p.Asp187Asn (NM_001193333.3); short protein forms D187N.
Identifiers: ClinVar variation 4883182 (VCV004883182.2).